The following is an entry in ClinVar:

ClinVar aggregate classification (germline): Likely benign (0 of 4 stars; one submission).

Conditions:
MAP3K15-related disorder. Also called: MAP3K15-related condition.

Submission:

PreventionGenetics, part of Exact Sciences
Classification: Likely benign for MAP3K15-related condition. Last evaluated: 2023-02-20. Review status: no assertion criteria provided. Collection method: clinical testing. Allele origin: germline.
Comment: This variant is classified as likely benign based on ACMG/AMP sequence variant interpretation guidelines (Richards et al. 2015 PMID: 25741868, with internal and published modifications).

NM_001001671.4(MAP3K15):c.3599_3600del (p.Glu1200fs)

Gene: MAP3K15 (mitogen-activated protein kinase kinase kinase 15; minus strand). Cytogenetic location: Xp22.12.
Variant type: Microsatellite.
Coding change: c.3599_3600del on transcript NM_001001671.4 (MANE Select); coding-DNA positions 3599 to 3600, 2 bases deleted (AG; older notation c.3599_3600delAG).
Protein change: p.Glu1200fs; shifts the reading frame from glutamic acid 1200.
Molecular consequence: frameshift variant.
Genome position (GRCh38, 1-based): chrX:19,362,817-19,362,818, CT deleted on the plus strand (AG on the coding strand, the reverse complement: MAP3K15 is on the minus strand); deleting any 2 consecutive bases within chrX:19,362,817-19,362,826 gives the same sequence; the c. name uses the placement nearest the transcript's 3' end. VCF-style (leftmost placement, unchanged base first): chrX-19362816-ACT-A. GRCh37 (hg19) VCF-style: chrX-19380934-ACT-A.
Other names: short protein forms E1200fs.
Identifiers: ClinVar variation 3048237 (VCV003048237.2), dbSNP rs747607452, ClinGen allele CA10363392.
Genomic context (GRCh38, chrX:19,362,816, plus strand): 5'-ACTGAAGGTGATACAATTCTTGAGTTTTCTGTTCTAGAGTTTGCCGCAGAAGATTCTGGT[ACT>A]CTCTCTCTTTTTCAACTAGGTGTTCCAAAAGTCTGGTTTAAAAAAAAAAAAAAAAAGCCA-3'